The following is an entry in ClinVar:

ClinVar aggregate classification (germline): Uncertain significance (1 of 4 stars; one submission).

gnomAD v4.1: 1 of 1,612,678 alleles (0.000062%); highest among the groups gnomAD compares: East Asian, 0.0022%; no homozygotes.

Submission:

Labcorp Genetics (formerly Invitae), Labcorp
Classification: Uncertain significance. Last evaluated: 2023-10-26. Review status: criteria provided, single submitter. Criteria: Invitae Variant Classification Sherloc (09022015). Collection method: clinical testing. Allele origin: germline.
Comment: This sequence change replaces asparagine, which is neutral and polar, with threonine, which is neutral and polar, at codon 849 of the WFS1 protein (p.Asn849Thr). This variant is present in population databases (no rsID available, gnomAD 0.06%). This variant has not been reported in the literature in individuals affected with WFS1-related conditions. Advanced modeling of protein sequence and biophysical properties (such as structural, functional, and spatial information, amino acid conservation, physicochemical variation, residue mobility, and thermodynamic stability) performed at Invitae indicates that this missense variant is not expected to disrupt WFS1 protein function with a negative predictive value of 95%. In summary, the available evidence is currently insufficient to determine the role of this variant in disease. Therefore, it has been classified as a Variant of Uncertain Significance.

NM_006005.3(WFS1):c.2546A>C (p.Asn849Thr)

Gene: WFS1 (wolframin ER transmembrane glycoprotein; plus strand). Cytogenetic location: 4p16.1.
Variant type: single nucleotide variant.
Coding change: c.2546A>C on transcript NM_006005.3 (MANE Select); coding-DNA position 2546, A replaced by C.
Protein change: p.Asn849Thr; replaces asparagine 849 with threonine.
Molecular consequence: missense variant.
Genome position (GRCh38, 1-based): chr4:6,302,341, A>C. VCF-style: chr4-6302341-A-C. GRCh37 (hg19) VCF-style: chr4-6304068-A-C.
Other names: c.2546A>C, p.Asn849Thr (NM_001145853.1); short protein forms N849T.
Identifiers: ClinVar variation 2814578 (VCV002814578.3), dbSNP rs778798308, ClinGen allele CA356179183.